The following is an entry in ClinVar:

NM_023067.4(FOXL2):c.997_1011del (p.Pro333_Pro337del)

Gene: FOXL2 (forkhead box L2; minus strand). Cytogenetic location: 3q22.3.
Variant type: Deletion.
Coding change: c.997_1011del on transcript NM_023067.4 (MANE Select); coding-DNA positions 997 to 1011, 15 bases deleted (CCGGCGCCCGCGCCC).
Protein change: p.Pro333_Pro337del.
Genome position (GRCh38, 1-based): chr3:138,945,712-138,945,726, GGGCGCGGGCGCCGG deleted on the plus strand (CCGGCGCCCGCGCCC on the coding strand, the reverse complement: FOXL2 is on the minus strand); deleting any 15 consecutive bases within chr3:138,945,712-138,945,734 gives the same sequence; the c. name uses the placement nearest the transcript's 3' end. VCF-style (leftmost placement, unchanged base first): chr3-138945711-TGGGCGCGGGCGCCGG-T. GRCh37 (hg19) VCF-style: chr3-138664553-TGGGCGCGGGCGCCGG-T.
Identifiers: ClinVar variation 3726388 (VCV003726388.2).

ClinVar aggregate classification (germline): Uncertain significance (1 of 4 stars; one submission).

Submission:

Labcorp Genetics (formerly Invitae), Labcorp
Classification: Uncertain significance. Last evaluated: 2024-10-02. Review status: criteria provided, single submitter. Criteria: Invitae Variant Classification Sherloc (09022015). Collection method: clinical testing. Allele origin: germline.
Comment: This variant, c.997_1011del, results in the deletion of 5 amino acid(s) of the FOXL2 protein (p.Pro333_Pro337del), but otherwise preserves the integrity of the reading frame. This variant is present in population databases (rs762749047, gnomAD 0.008%). This variant has not been reported in the literature in individuals affected with FOXL2-related conditions. Experimental studies and prediction algorithms are not available or were not evaluated, and the functional significance of this variant is currently unknown. In summary, the available evidence is currently insufficient to determine the role of this variant in disease. Therefore, it has been classified as a Variant of Uncertain Significance.